The following is an entry in ClinVar:

NM_017849.4(TMEM127):c.109_121del (p.Gly37fs)

Genes: TMEM127 (transmembrane protein 127; minus strand), LOC129934333 (ATAC-STARR-seq lymphoblastoid silent region 11759; plus strand). Cytogenetic location: 2q11.2.
Variant type: Deletion.
Coding change: c.109_121del on transcript NM_017849.4 (MANE Select); coding-DNA positions 109 to 121, 13 bases deleted (GGCGCCCTGTCTA).
Protein change: p.Gly37fs; shifts the reading frame from glycine 37.
Molecular consequence: frameshift variant. On other transcripts: intron variant (1).
Genome position (GRCh38, 1-based): chr2:96,265,261-96,265,273, TAGACAGGGCGCC deleted on the plus strand (GGCGCCCTGTCTA on the coding strand, the reverse complement: TMEM127 is on the minus strand). VCF-style (leftmost placement, unchanged base first): chr2-96265260-ATAGACAGGGCGCC-A. GRCh37 (hg19) VCF-style: chr2-96930998-ATAGACAGGGCGCC-A.
Other names: c.109_121del, p.Gly37fs (NM_001193304.3); c.-9+596_-9+608del (NM_001407283.1); c.109_121del13 (NM_017849.3); short protein forms G37fs.
Identifiers: ClinVar variation 4185907 (VCV004185907.1).

ClinVar aggregate classification (germline): Pathogenic (1 of 4 stars; one submission).

Conditions:
Hereditary cancer-predisposing syndrome. Also called: Neoplastic Syndromes, Hereditary; Tumor predisposition; Hereditary Cancer Syndrome; Hereditary neoplastic syndrome. Identifiers: Orphanet 140162, MedGen C0027672, MeSH D009386, MONDO:0015356.

Submission:

Ambry Genetics
Classification: Pathogenic for Hereditary cancer-predisposing syndrome. Last evaluated: 2025-07-14. Review status: criteria provided, single submitter. Criteria: Ambry Variant Classification Scheme 2023. Collection method: clinical testing. Allele origin: germline.
Comment: The c.109_121del13 pathogenic mutation, located in coding exon 1 of the TMEM127 gene, results from a deletion of 13 nucleotides at nucleotide positions 109 to 121, causing a translational frameshift with a predicted alternate stop codon (p.G37Sfs*40). This variant is considered to be rare based on population cohorts in the Genome Aggregation Database (gnomAD). This alteration is expected to result in loss of function by premature protein truncation or nonsense-mediated mRNA decay. As such, this alteration is interpreted as a disease-causing mutation.